The following continues an entry in ClinVar:

NM_002878.4(RAD51D):c.872G>A (p.Arg291His)

ClinVar aggregate classification (germline): Uncertain significance. Uncertain significance (13).

Submissions 13 to 14 of 14:

Neuberg Centre For Genomic Medicine, NCGM
Classification: Uncertain significance for Breast-ovarian cancer, familial, susceptibility to, 4. Review status: criteria provided, single submitter. Criteria: ACMG Guidelines, 2015. Collection method: clinical testing. Allele origin: germline. Inheritance: Autosomal dominant inheritance. Affected: yes.
Comment: The missense c.872G>Ap.Arg291His variant in RAD51D gene has been reported previously in individuals affected with Hereditary Breast and/or Ovarian cancer Loveday C, et al., 2011. The p.Arg291His variant has been reported with allele frequency of 0.003% in gnomAD Exomes and is novel not in any individuals in 1000 Genomes. This variant has been reported to the ClinVar database as Uncertain Significance multiple submissions. The amino acid change p.Arg291His in RAD51D is predicted as conserved by GERP++ and PhyloP across 100 vertebrates. The amino acid Arg at position 291 is changed to a His changing protein sequence and it might alter its composition and physico-chemical properties. For these reasons, this variant has been classified as a Variant of Uncertain Significance VUS.

Department of Pathology and Laboratory Medicine, Sinai Health System
Classification: Uncertain significance for Breast-ovarian cancer, familial, susceptibility to, 4. Review status: no assertion criteria provided. Collection method: clinical testing. Allele origin: unknown. Affected: yes. Study: The Canadian Open Genetics Repository (COGR). Not counted in ClinVar's aggregate classification.
Comment: The RAD51D p.Arg291His variant was identified in 1 of 8680 proband chromosomes (frequency: 0.0001) from British individuals or families with ovarian or breast/ovarian cancer and was present in 2 of 7664 control chromosomes (frequency: 0003) from healthy individuals (Song 2015, Loveday 2011). The variant was also identified in dbSNP (ID: rs150134822) as â€šÃ„ÃºWith Uncertain significanceâ€šÃ„Ã¹ allele, in ClinVar (classified as uncertain significance by GeneDx, Ambry Genetics, Invitae, Color and Integrated Genetics/Laboratory Corporation of America). The variant was identified in control databases in 8 of 246192 chromosomes at a frequency of 0.00003 (Genome Aggregation Database Feb 27, 2017). The variant was observed in the following populations: Latino in 1 of 33580 chromosomes (freq: 0.00003), European Non-Finnish in 4 of 111656 chromosomes (freq: 0.00004), and South Asian in 3 of 30782 chromosomes (freq: 0.0001); it was not observed in the African, Other, Ashkenazi Jewish, East Asian and European Finnish populations. The p.Arg291 residue is conserved in in mammals but not in more distantly related organisms however computational analyses (PolyPhen-2, SIFT, AlignGVGD, BLOSUM, MutationTaster) do not suggest a high likelihood of impact to the protein; this information is not predictive enough to rule out pathogenicity. The variant occurs outside of the splicing consensus sequence and in silico or computational prediction software programs (SpliceSiteFinder, MaxEntScan, NNSPLICE, GeneSplicer) do not predict a difference in splicing. In summary, based on the above information the clinical significance of this variant cannot be determined with certainty at this time. This variant is classified as a variant of uncertain significance.

Literature cited by the submitters: PubMed 21822267 (cited by 4 submitters); PubMed 26261251 (cited by 4 submitters); PubMed 32885271 (cited by 3 submitters); PubMed 33471991 (cited by Color Diagnostics, LLC DBA Color Health).